The following is an entry in ClinVar:

NM_001368894.2(PAX6):c.781del (p.Lys260_Ile261insTer)

Gene: PAX6 (paired box 6; minus strand). Cytogenetic location: 11p13.
Variant type: Deletion.
Coding change: c.781del on transcript NM_001368894.2 (MANE Select); coding-DNA position 781, one base deleted (A; older notation c.781delA).
Protein change: p.Lys260_Ile261insTer.
Molecular consequence: nonsense.
Genome position (GRCh38, 1-based): chr11:31,794,058, T deleted on the plus strand (A on the coding strand, the reverse complement: PAX6 is on the minus strand); the first of 4 consecutive T bases (chr11:31,794,058-31,794,061); deleting any one gives the same sequence. VCF-style (leftmost placement, unchanged base first): chr11-31794057-AT-A. GRCh37 (hg19) VCF-style: chr11-31815605-AT-A.
Other names: c.739del, p.Lys246_Ile247insTer (NM_000280.6, NM_001127612.3, NM_001258464.2 and 10 more transcripts); c.781del, p.Lys260_Ile261insTer (NM_001258462.3, NM_001258463.2, NM_001310158.2 and 6 more transcripts); c.331del, p.Lys110_Ile111insTer (NM_001310160.2, NM_001310161.3, NM_001368899.2 and 11 more transcripts); c.982del, p.Lys327_Ile328insTer (NM_001368910.2); c.784del, p.Lys261_Ile262insTer (NM_001368911.2); c.856del, p.Lys285_Ile286insTer (NM_001368918.2, NM_001368919.2); c.814del, p.Lys271_Ile272insTer (NM_001368920.2); c.580del, p.Lys193_Ile194insTer (NM_001368921.2, NM_001368922.2, NM_001368923.2 and 4 more transcripts); and 2 more.
Identifiers: ClinVar variation 4850118 (VCV004850118.1).

ClinVar aggregate classification (germline): Pathogenic (1 of 4 stars; one submission).

Conditions:
Autosomal dominant PAX6-related disorders.

Submission:

Variantyx, Inc.
Classification: Pathogenic for Autosomal dominant PAX6-related disorders. Last evaluated: 2025-12-29. Review status: criteria provided, single submitter. Criteria: Variantyx Assertion Criteria 2022. Collection method: clinical testing. Allele origin: de novo. Inheritance: Autosomal dominant inheritance. Affected: yes.
Comment: This is a frameshift variant in the PAX6 gene (OMIM: 607108). Pathogenic variants in this gene have been associated with autosomal dominant PAX6-related disorders. This variant introduces a premature termination codon in exon 10 out of 14 and is expected to result in loss of function, which is a known disease mechanism for PAX6 in these disorders (PMID: 12634864) (PVS1). This variant is absent from control populations (PM2) amnd it has not been reported in individuals with PAX6-related disorders in the databases available for review. Based on the current evidence, this variant is classified as pathogenic for autosomal dominant PAX6-related disorders.

Literature cited by the submitters: PubMed 12634864.